The following is an entry in ClinVar:

NM_015909.4(NBAS):c.4223G>A (p.Arg1408His)

Gene: NBAS (NBAS subunit of NRZ tethering complex; minus strand). Cytogenetic location: 2p24.3.
Variant type: single nucleotide variant.
Coding change: c.4223G>A on transcript NM_015909.4 (MANE Select); coding-DNA position 4223, G replaced by A.
Protein change: p.Arg1408His; replaces arginine 1408 with histidine.
Molecular consequence: missense variant. On other transcripts: non-coding transcript variant (1).
Genome position (GRCh38, 1-based): chr2:15,330,722, C>T on the plus strand (G>A on the coding strand, the complement: NBAS is on the minus strand). VCF-style: chr2-15330722-C-T. GRCh37 (hg19) VCF-style: chr2-15470846-C-T.
Other names: c.4223G>A (NM_015909.2); short protein forms R1408H.
Identifiers: ClinVar variation 1435172 (VCV001435172.29), dbSNP rs778741498, ClinGen allele CA1535734.
Genomic context (GRCh38, chr2:15,330,722, plus strand): 5'-ACCGCTTTGGTGGTGGTTGTGGTGTTGGAAAGGACTTTCATGGTGGTAGCAGTGGTCCAG[C>T]GCAATAGGTCAGCTGAATTGCTACCTGGAACACCTACTTCATCCTGTATTAAAGAAACAA-3'
Protein context (NP_056993.2, residues 1398-1418): VPGSNSADLL[Arg1408His]WTTATTMKVL

ClinVar aggregate classification (germline): Conflicting classifications of pathogenicity. Review status: criteria provided, conflicting classifications (1 of 4 stars). 4 submissions from 4 submitters: Uncertain significance (1); Likely benign (3). Last evaluated 2025-12-29.

Conditions:
Inborn genetic diseases. Identifiers: MedGen C0950123, MeSH D030342.

Allele frequency attached by ClinVar (database versions not stated): gnomAD exomes 0.00008.
gnomAD v4.1: 97 of 1,613,848 alleles (0.006%); highest among the groups gnomAD compares: South Asian, 0.063%; no homozygotes.

Submissions (4):

Labcorp Genetics (formerly Invitae), Labcorp
Classification: Likely benign. Last evaluated: 2025-12-29. Review status: criteria provided, single submitter. Criteria: Invitae Variant Classification Sherloc (09022015). Collection method: clinical testing. Allele origin: germline.

Blueprint Genetics
Classification: Likely benign. Last evaluated: 2024-10-03. Review status: criteria provided, single submitter. Criteria: ACMG Guidelines, 2015. Collection method: clinical testing. Allele origin: germline.

CeGaT Center for Human Genetics Tuebingen
Classification: Uncertain significance. Last evaluated: 2024-06-01. Review status: criteria provided, single submitter. Criteria: CeGaT Center For Human Genetics Tuebingen Variant Classification Criteria Version 2. Collection method: clinical testing. Allele origin: germline. Affected: yes. Observed: 1 variant allele.
Comment: NBAS: PM2:Supporting, BP4

Ambry Genetics
Classification: Likely benign for Inborn genetic diseases. Last evaluated: 2023-12-22. Review status: criteria provided, single submitter. Criteria: Ambry Variant Classification Scheme 2023. Collection method: clinical testing. Allele origin: germline.